The following is an entry in ClinVar:

ClinVar aggregate classification (germline): Uncertain significance (1 of 4 stars; one submission).

Conditions:
C1S-related disorder. Also called: C1S-related condition.

gnomAD v4.1: 2 of 1,612,574 alleles (0.00012%); highest among the groups gnomAD compares: Admixed American, 0.0017%; no homozygotes.

Submission:

PreventionGenetics, part of Exact Sciences
Classification: Uncertain significance for C1S-related condition. Last evaluated: 2022-11-21. Review status: criteria provided, single submitter. Criteria: ACMG Guidelines, 2015. Collection method: clinical testing. Allele origin: germline.
Comment: The C1S c.733C>G variant is predicted to result in the amino acid substitution p.Arg245Gly. To our knowledge, this variant has not been reported in the literature. This variant is reported in 0.0029% of alleles in individuals of Latino descent in gnomAD. At this time, the clinical significance of this variant is uncertain due to the absence of conclusive functional and genetic evidence.

NM_001734.5(C1S):c.733C>G (p.Arg245Gly)

Gene: C1S (complement C1s; plus strand). Cytogenetic location: 12p13.31.
Variant type: single nucleotide variant.
Coding change: c.733C>G on transcript NM_001734.5 (MANE Select); coding-DNA position 733, C replaced by G.
Protein change: p.Arg245Gly; replaces arginine 245 with glycine.
Molecular consequence: missense variant.
Genome position (GRCh38, 1-based): chr12:7,065,832, C>G. VCF-style: chr12-7065832-C-G. GRCh37 (hg19) VCF-style: chr12-7173136-C-G.
Other names: c.232C>G, p.Arg78Gly (NM_001346850.2); c.733C>G, p.Arg245Gly (NM_201442.4); short protein forms R245G, R78G.
Identifiers: ClinVar variation 2635590 (VCV002635590.1), dbSNP rs147971272, ClinGen allele CA383696157.
Genomic context (GRCh38, chr12:7,065,832, plus strand): 5'-TTCCCTTTAGTTCTTTCCCTCTTCTGATTTCATCATTTTGTTCAGTTTGTTGCAGGAGAT[C>G]GGCAATTTGGTCCTTACTGTGGTCATGGATTCCCTGGGCCTCTAAATATTGAAACCAAGA-3'
Protein context (NP_001725.1, residues 235-255): LDSLVFVAGD[Arg245Gly]QFGPYCGHGF